The following is an entry in ClinVar:

NM_138383.3(MTSS2):c.291-6C>G

Gene: MTSS2 (MTSS I-BAR domain containing 2; minus strand). Cytogenetic location: 16q22.1.
Variant type: single nucleotide variant.
Coding change: c.291-6C>G on transcript NM_138383.3 (MANE Select); 6 bases into the intron before coding-DNA position 291, C replaced by G.
Molecular consequence: intron variant.
Genome position (GRCh38, 1-based): chr16:70,679,883, G>C on the plus strand (C>G on the coding strand, the complement: MTSS2 is on the minus strand). VCF-style: chr16-70679883-G-C. GRCh37 (hg19) VCF-style: chr16-70713786-G-C.
Identifiers: ClinVar variation 4883262 (VCV004883262.2).

ClinVar aggregate classification (germline): Uncertain significance (1 of 4 stars; one submission).

Conditions:
Intellectual developmental disorder with ocular anomalies and distinctive facial features (IDDOF). Identifiers: MedGen C5774238, MONDO:0859303, OMIM 620086.

Submission:

Dasa
Classification: Uncertain significance for Intellectual developmental disorder with ocular anomalies and distinctive facial features. Last evaluated: 2025-05-05. Review status: criteria provided, single submitter. Criteria: DASA Assertion Criteria. Collection method: clinical testing. Allele origin: germline.
Comment: NM_138383.3(MTSS2):c.291-6C>G is a splice-region variant. This variant is absent from population databases. Computational prediction algorithms are consistent with a deleterious effect. The currently available literature and clinical evidence are not sufficient to establish a definitive association between this variant and the reported condition. Therefore, this variant is classified as a variant of uncertain significance.